The following is an entry in ClinVar:

ClinVar aggregate classification (germline): Likely benign (1 of 4 stars; one submission).

Allele frequency attached by ClinVar (database versions not stated): gnomAD exomes 0.00007; gnomAD 0.00028.
gnomAD v4.1: 126 of 1,268,718 alleles (0.0099%); highest among the groups gnomAD compares: African/African-American, 0.08%; 2 homozygotes.

Submission:

CeGaT Center for Human Genetics Tuebingen
Classification: Likely benign. Last evaluated: 2023-09-01. Review status: criteria provided, single submitter. Criteria: CeGaT Center For Human Genetics Tuebingen Variant Classification Criteria Version 2. Collection method: clinical testing. Allele origin: germline. Affected: yes. Observed: 1 variant allele.
Comment: TPRX1: BP4, BP7

NM_001397346.1(TPRX1):c.819A>G (p.Pro273=)

Gene: TPRX1 (tetrapeptide repeat homeobox 1; minus strand). Cytogenetic location: 19q13.33.
Variant type: single nucleotide variant.
Coding change: c.819A>G on transcript NM_001397346.1 (MANE Select); coding-DNA position 819, A replaced by G.
Protein change: p.Pro273=; no amino-acid change (proline 273 retained).
Molecular consequence: synonymous variant.
Genome position (GRCh38, 1-based): chr19:47,802,357, T>C on the plus strand (A>G on the coding strand, the complement: TPRX1 is on the minus strand). VCF-style: chr19-47802357-T-C. GRCh37 (hg19) VCF-style: chr19-48305614-T-C.
Other names: c.945A>G, p.Pro315= (NM_198479.3).
Identifiers: ClinVar variation 2650194 (VCV002650194.24), dbSNP rs1160757686, ClinGen allele CA9544148.